The following is an entry in ClinVar:

ClinVar aggregate classification (germline): Pathogenic/Likely pathogenic. Review status: criteria provided, multiple submitters, no conflicts (2 of 4 stars). 2 submissions from 2 submitters: Pathogenic (1); Likely pathogenic (1). Last evaluated 2023-07-14.

Conditions:
TCTN3-related disorder. Also called: TCTN3-related condition.
Orofacial-digital syndrome IV (OFD4). Also called: MOHR-MAJEWSKI SYNDROME; BARAITSER-BURN SYNDROME; Orofaciodigital syndrome IV; OFD SYNDROME WITH TIBIAL DEFECTS; OFD SYNDROME, BARAITSER-BURN TYPE; OFDS IV. Identifiers: Orphanet 2753, MedGen C0406727, MONDO:0009794, OMIM 258860.
Joubert syndrome 18 (JBTS18). Identifiers: Orphanet 2754, MedGen C3553758, MONDO:0013896, OMIM 614815.

Submissions (2):

Labcorp Genetics (formerly Invitae), Labcorp
Classification: Pathogenic for Joubert syndrome 18; Orofacial-digital syndrome IV. Last evaluated: 2023-07-14. Review status: criteria provided, single submitter. Criteria: Invitae Variant Classification Sherloc (09022015). Collection method: clinical testing. Allele origin: germline.
Comment: For these reasons, this variant has been classified as Pathogenic. This variant has not been reported in the literature in individuals affected with TCTN3-related conditions. This variant is present in population databases (no rsID available, gnomAD 0.002%). This sequence change creates a premature translational stop signal (p.Ala240*) in the TCTN3 gene. It is expected to result in an absent or disrupted protein product. Loss-of-function variants in TCTN3 are known to be pathogenic (PMID: 2692869, 22883145, 25118024).

Blueprint Genetics
Classification: Likely pathogenic for TCTN3-related disorders. Last evaluated: 2020-12-10. Review status: criteria provided, single submitter. Criteria: ACMG Guidelines, 2015. Collection method: clinical testing. Allele origin: germline. Affected: yes. Observed: 1 variant allele.

Literature cited by the submitters: PubMed 2692869 (cited by Labcorp Genetics (formerly Invitae), Labcorp); PubMed 22883145 (cited by Labcorp Genetics (formerly Invitae), Labcorp); PubMed 25118024 (cited by Labcorp Genetics (formerly Invitae), Labcorp).

NM_015631.6(TCTN3):c.717_718del (p.Cys239_Ala240insTer)

Gene: TCTN3 (tectonic family member 3; minus strand). Cytogenetic location: 10q24.1.
Variant type: Microsatellite.
Coding change: c.717_718del on transcript NM_015631.6 (MANE Select); coding-DNA positions 717 to 718, 2 bases deleted (TG; older notation c.717_718delTG).
Protein change: p.Cys239_Ala240insTer.
Molecular consequence: frameshift variant. On other transcripts: intron variant (1).
Genome position (GRCh38, 1-based): chr10:95,687,265-95,687,266, CA deleted on the plus strand (TG on the coding strand, the reverse complement: TCTN3 is on the minus strand); deleting any 2 consecutive bases within chr10:95,687,265-95,687,268 gives the same sequence; the c. name uses the placement nearest the transcript's 3' end. VCF-style (leftmost placement, unchanged base first): chr10-95687264-GCA-G. GRCh37 (hg19) VCF-style: chr10-97447021-GCA-G.
Other names: c.500-107_500-106del (NM_001143973.2).
Identifiers: ClinVar variation 1451445 (VCV001451445.7), dbSNP rs1276774121, ClinGen allele CA595639517.
Genomic context (GRCh38, chr10:95,687,264, plus strand): 5'-TTTAAATTGAATGAAAAGGTTGGTACTTTTGCTCTGGATTCACCTGCAGGATTGCTTTCA[GCA>G]CAGAGTCCCCCAGCTCCAACTCCTGCAGGTTGTCTCAGCAAGCTTATTACAGACCACTTG-3'